The following is an entry in ClinVar:

ClinVar aggregate classification (germline): Pathogenic. Review status: criteria provided, single submitter (1 of 4 stars). 2 submissions from 2 submitters: Pathogenic (1). 1 of the submissions does not count toward it. Last evaluated 2025-05-19.

Conditions:
Neuronal ceroid lipofuscinosis 1 (CLN1). Also called: CEROID LIPOFUSCINOSIS, NEURONAL, 1, VARIABLE AGE AT ONSET; PPT1-Related Neuronal Ceroid-Lipofuscinosis. Identifiers: Orphanet 228329, MedGen C1850451, MONDO:0009744, OMIM 256730.

Allele frequency attached by ClinVar (database versions not stated): gnomAD exomes below 0.00001.
gnomAD v4.1: 2 of 1,614,114 alleles (0.00012%); highest among the groups gnomAD compares: East Asian, 0.0022%; no homozygotes.

Submissions (2):

Labcorp Genetics (formerly Invitae), Labcorp
Classification: Pathogenic for Neuronal ceroid lipofuscinosis 1. Last evaluated: 2025-05-19. Review status: criteria provided, single submitter. Criteria: Invitae Variant Classification Sherloc (09022015). Collection method: clinical testing. Allele origin: germline.
Comment: This sequence change replaces glycine, which is neutral and non-polar, with arginine, which is basic and polar, at codon 245 of the PPT1 protein (p.Gly245Arg). This variant is present in population databases (no rsID available, gnomAD 0.006%). This missense change has been observed in individual(s) with clinical features of PPT1-related conditions (PMID: 26275418, 35796208). ClinVar contains an entry for this variant (Variation ID: 977806). Invitae Evidence Modeling of protein sequence and biophysical properties (such as structural, functional, and spatial information, amino acid conservation, physicochemical variation, residue mobility, and thermodynamic stability) indicates that this missense variant is expected to disrupt PPT1 protein function with a positive predictive value of 95%. For these reasons, this variant has been classified as Pathogenic.

Laboratory of Genetics in Ophthalmology, Institut Imagine
Classification: Likely pathogenic for Neuronal ceroid lipofuscinosis 1. Review status: no assertion criteria provided. Collection method: research. Allele origin: inherited. Affected: yes. Observed: 1 variant allele. Not counted in ClinVar's aggregate classification.

Literature cited by the submitters: PubMed 26275418 (cited by Labcorp Genetics (formerly Invitae), Labcorp and Laboratory of Genetics in Ophthalmology, Institut Imagine); PubMed 35796208 (cited by Labcorp Genetics (formerly Invitae), Labcorp).

NM_000310.4(PPT1):c.733G>A (p.Gly245Arg)

Gene: PPT1 (palmitoyl-protein thioesterase 1; minus strand). Cytogenetic location: 1p34.2.
Variant type: single nucleotide variant.
Coding change: c.733G>A on transcript NM_000310.4 (MANE Select); coding-DNA position 733, G replaced by A.
Protein change: p.Gly245Arg; replaces glycine 245 with arginine.
Molecular consequence: missense variant. On other transcripts: intron variant (1).
Genome position (GRCh38, 1-based): chr1:40,076,907, C>T on the plus strand (G>A on the coding strand, the complement: PPT1 is on the minus strand). VCF-style: chr1-40076907-C-T. GRCh37 (hg19) VCF-style: chr1-40542579-C-T.
Other names: c.424G>A, p.Gly142Arg (NM_001142604.2); c.726+1653G>A (NM_001363695.2); short protein forms G142R, G245R.
Identifiers: ClinVar variation 977806 (VCV000977806.6), dbSNP rs1259755308, ClinGen allele CA339846493.
Genomic context (GRCh38, chr1:40,076,907, plus strand): 5'-TGTACAGGGAGGTCTCCTGTAAGGGAATGGTTTCCTTGGCTTGGCCACTTCTGTAAAATC[C>T]AAACCACTGCAGAAGAAGCAAAGGAAAGAAGCTCAGATATGACACACAGCACATACTGCC-3'
Protein context (NP_000301.1, residues 235-255): IVDPVDSEWF[Gly245Arg]FYRSGQAKET